The following is an entry in ClinVar:

ClinVar aggregate classification (germline): Pathogenic (1 of 4 stars; one submission).

Submission:

Labcorp Genetics (formerly Invitae), Labcorp
Classification: Pathogenic. Last evaluated: 2023-06-09. Review status: criteria provided, single submitter. Criteria: Invitae Variant Classification Sherloc (09022015). Collection method: clinical testing. Allele origin: germline.
Comment: For these reasons, this variant has been classified as Pathogenic. This variant has not been reported in the literature in individuals affected with ATF6-related conditions. This variant is not present in population databases (gnomAD no frequency). This sequence change creates a premature translational stop signal (p.Ser444Leufs*8) in the ATF6 gene. It is expected to result in an absent or disrupted protein product. Loss-of-function variants in ATF6 are known to be pathogenic (PMID: 26029869, 26063662, 26070061).

Literature cited by the submitters: PubMed 26029869; PubMed 26063662; PubMed 26070061.

NM_007348.4(ATF6):c.1330del (p.Ser444fs)

Gene: ATF6 (activating transcription factor 6; plus strand). Cytogenetic location: 1q23.3.
Variant type: Deletion.
Coding change: c.1330del on transcript NM_007348.4 (MANE Select); coding-DNA position 1330, one base deleted (T; older notation c.1330delT).
Protein change: p.Ser444fs; shifts the reading frame from serine 444.
Molecular consequence: frameshift variant.
Genome position (GRCh38, 1-based): chr1:161,851,732, T deleted; the last of 2 consecutive T bases (chr1:161,851,731-161,851,732); deleting either gives the same sequence. VCF-style (leftmost placement, unchanged base first): chr1-161851730-AT-A. GRCh37 (hg19) VCF-style: chr1-161821520-AT-A.
Other names: c.1330del, p.Ser444fs (NM_001410890.1); short protein forms S444fs.
Identifiers: ClinVar variation 2700673 (VCV002700673.3), dbSNP rs2525339224, ClinGen allele CA2648814191.